The following is an entry in ClinVar:

NM_000428.3(LTBP2):c.422C>G (p.Ala141Gly)

Gene: LTBP2 (latent transforming growth factor beta binding protein 2; minus strand). Cytogenetic location: 14q24.3.
Variant type: single nucleotide variant.
Coding change: c.422C>G on transcript NM_000428.3 (MANE Select); coding-DNA position 422, C replaced by G.
Protein change: p.Ala141Gly; replaces alanine 141 with glycine.
Molecular consequence: missense variant.
Genome position (GRCh38, 1-based): chr14:74,611,523, G>C on the plus strand (C>G on the coding strand, the complement: LTBP2 is on the minus strand). VCF-style: chr14-74611523-G-C. GRCh37 (hg19) VCF-style: chr14-75078226-G-C.
Other names: c.422C>G (NM_000428.2); short protein forms A141G.
Identifiers: ClinVar variation 2997113 (VCV002997113.4), dbSNP rs765922047, ClinGen allele CA7270206.
Genomic context (GRCh38, chr14:74,611,523, plus strand): 5'-CCTCGCGGCGGGGTTGGGGGCGCAGCCCCAGACCGCTGTGGGGTCCCCAGGCGTGGGAGA[G>C]CCGGCGCGGCCCGGGTCCGGGGTGCTGGTTGCTGCTGGCCCAGGGGAGTGCTTCTCCGGG-3'
Protein context (NP_000419.1, residues 131-151): QPAPRTRAAP[Ala141Gly]LPRLGTPQRS

ClinVar aggregate classification (germline): Uncertain significance. Review status: criteria provided, multiple submitters, no conflicts (2 of 4 stars). 2 submissions from 2 submitters: Uncertain significance (2). Last evaluated 2025-01-02.

Conditions:
Inborn genetic diseases. Identifiers: MedGen C0950123, MeSH D030342.

Allele frequency attached by ClinVar (database versions not stated): ExAC 0.00001; gnomAD 0.00001; TOPMed 0.00001.
gnomAD v4.1: 7 of 1,543,750 alleles (0.00045%); highest among the groups gnomAD compares: Admixed American, 0.0019%; no homozygotes.

Submissions (2):

Ambry Genetics
Classification: Uncertain significance for Inborn genetic diseases. Last evaluated: 2025-01-02. Review status: criteria provided, single submitter. Criteria: Ambry Variant Classification Scheme 2023. Collection method: clinical testing. Allele origin: germline.

Labcorp Genetics (formerly Invitae), Labcorp
Classification: Uncertain significance. Last evaluated: 2024-01-31. Review status: criteria provided, single submitter. Criteria: Invitae Variant Classification Sherloc (09022015). Collection method: clinical testing. Allele origin: germline.
Comment: This sequence change replaces alanine, which is neutral and non-polar, with glycine, which is neutral and non-polar, at codon 141 of the LTBP2 protein (p.Ala141Gly). This variant is present in population databases (rs765922047, gnomAD 0.003%). This variant has not been reported in the literature in individuals affected with LTBP2-related conditions. An algorithm developed to predict the effect of missense changes on protein structure and function (PolyPhen-2) suggests that this variant is likely to be tolerated. In summary, the available evidence is currently insufficient to determine the role of this variant in disease. Therefore, it has been classified as a Variant of Uncertain Significance.